The following is an entry in ClinVar:

ClinVar aggregate classification (germline): Uncertain significance (1 of 4 stars; one submission).

Conditions:
Pheochromocytoma/paraganglioma syndrome 3. Also called: GLOMUS TUMORS, FAMILIAL, 3; Paragangliomas 3; SDHC-Related Hereditary Paraganglioma-Pheochromocytoma Syndrome (Paragangliomas 3); SDHC-Related Hereditary Paraganglioma-Pheochromocytoma Syndrome. Identifiers: Orphanet 29072, MedGen C1854336, MONDO:0011544, OMIM 605373.
Gastrointestinal stromal tumor. Also called: Gastrointestinal stroma tumor; Gastrointestinal stromal tumor, somatic. Identifiers: Orphanet 44890, MedGen C0238198, MeSH D046152, MONDO:0011719, OMIM 606764, HP:0100723.

Submission:

Labcorp Genetics (formerly Invitae), Labcorp
Classification: Uncertain significance for Pheochromocytoma/paraganglioma syndrome 3; Gastrointestinal stromal tumor. Last evaluated: 2025-06-29. Review status: criteria provided, single submitter. Criteria: Invitae Variant Classification Sherloc (09022015). Collection method: clinical testing. Allele origin: germline.
Comment: This sequence change replaces leucine, which is neutral and non-polar, with arginine, which is basic and polar, at codon 112 of the SDHC protein (p.Leu112Arg). This variant is not present in population databases (gnomAD no frequency). This variant has not been reported in the literature in individuals affected with SDHC-related conditions. An algorithm developed to predict the effect of missense changes on protein structure and function (PolyPhen-2) suggests that this variant is likely to be disruptive. In summary, the available evidence is currently insufficient to determine the role of this variant in disease. Therefore, it has been classified as a Variant of Uncertain Significance.

NM_003001.5(SDHC):c.335T>G (p.Leu112Arg)

Gene: SDHC (succinate dehydrogenase complex subunit C; plus strand). Cytogenetic location: 1q23.3.
Variant type: single nucleotide variant.
Coding change: c.335T>G on transcript NM_003001.5 (MANE Select); coding-DNA position 335, T replaced by G.
Protein change: p.Leu112Arg; replaces leucine 112 with arginine.
Molecular consequence: missense variant. On other transcripts: non-coding transcript variant (1), intron variant (3).
Genome position (GRCh38, 1-based): chr1:161,356,770, T>G. VCF-style: chr1-161356770-T-G. GRCh37 (hg19) VCF-style: chr1-161326560-T-G.
Other names: c.233T>G, p.Leu78Arg (NM_001035512.3); c.176T>G, p.Leu59Arg (NM_001035513.3); c.455T>G, p.Leu152Arg (NM_001407115.1); c.278T>G, p.Leu93Arg (NM_001407116.1); c.272T>G, p.Leu91Arg (NM_001407117.1); c.227T>G, p.Leu76Arg (NM_001407118.1); c.224T>G, p.Leu75Arg (NM_001407119.1, NM_001407120.1); c.242-5559T>G (NM_001035511.3); and 2 more; short protein forms L112R, L78R, L152R, L59R, L76R, L93R, L75R, L91R.
Identifiers: ClinVar variation 4785421 (VCV004785421.1).